The following is an entry in ClinVar:

NM_003470.3(USP7):c.1755T>A (p.Asp585Glu)

Gene: USP7 (ubiquitin specific peptidase 7; minus strand). Cytogenetic location: 16p13.2.
Variant type: single nucleotide variant.
Coding change: c.1755T>A on transcript NM_003470.3 (MANE Select); coding-DNA position 1755, T replaced by A.
Protein change: p.Asp585Glu; replaces aspartic acid 585 with glutamic acid.
Molecular consequence: missense variant. On other transcripts: non-coding transcript variant (1).
Genome position (GRCh38, 1-based): chr16:8,903,352, A>T on the plus strand (T>A on the coding strand, the complement: USP7 is on the minus strand). VCF-style: chr16-8903352-A-T. GRCh37 (hg19) VCF-style: chr16-8997209-A-T.
Other names: c.1458T>A, p.Asp486Glu (NM_001286458.2); c.1581T>A, p.Asp527Glu (NM_001321858.2); c.1707T>A, p.Asp569Glu (NM_001286457.2); short protein forms D486E, D527E, D569E, D585E.
Identifiers: ClinVar variation 5040449 (VCV005040449.1).

ClinVar aggregate classification (germline): Uncertain significance (1 of 4 stars; one submission).

Submission:

CeGaT Center for Human Genetics Tuebingen
Classification: Uncertain significance. Last evaluated: 2026-08-01. Review status: criteria provided, single submitter. Criteria: CeGaT Center For Human Genetics Tuebingen Variant Classification Criteria Version 2. Collection method: clinical testing. Allele origin: germline. Affected: yes. Observed: 1 variant allele.
Comment: USP7: PM2, PM5:Supporting